The following is an entry in ClinVar:

NM_000238.4(KCNH2):c.2770G>A (p.Gly924Arg)

Gene: KCNH2 (potassium voltage-gated channel subfamily H member 2; minus strand). Cytogenetic location: 7q36.1.
Variant type: single nucleotide variant.
Coding change: c.2770G>A on transcript NM_000238.4 (MANE Select); coding-DNA position 2770, G replaced by A.
Protein change: p.Gly924Arg; replaces glycine 924 with arginine.
Molecular consequence: missense variant.
Genome position (GRCh38, 1-based): chr7:150,947,801, C>T on the plus strand (G>A on the coding strand, the complement: KCNH2 is on the minus strand). VCF-style: chr7-150947801-C-T. GRCh37 (hg19) VCF-style: chr7-150644889-C-T.
Other names: p.G924R:GGG>AGG; c.2482G>A, p.Gly828Arg (NM_001406753.1); c.1750G>A, p.Gly584Arg (NM_172057.3); short protein forms G584R, G924R, G828R.
Identifiers: ClinVar variation 200492 (VCV000200492.52), dbSNP rs794728397, ClinGen allele CA007362.

ClinVar aggregate classification (germline): Uncertain significance. Review status: criteria provided, multiple submitters, no conflicts (2 of 4 stars). 6 submissions from 6 submitters: Uncertain significance (6). Last evaluated 2025-07-14.

Conditions:
Cardiac arrhythmia. Also called: Arrhythmia; Cardiac rhythm disease. Identifiers: MedGen C0003811, MONDO:0007263, HP:0011675.
Cardiovascular phenotype. Identifiers: MedGen CN230736.
Long QT syndrome 2 (LQT2). Identifiers: Orphanet 101016, Orphanet 768, MedGen C3150943, MONDO:0013367, OMIM 613688.
Short QT syndrome type 1. Identifiers: Orphanet 51083, MedGen C1865020, MONDO:0012312, OMIM 609620.
Long QT syndrome (LQTS). Identifiers: MedGen C0023976, MeSH D008133, MONDO:0002442. Disease mechanism: loss of function. Inheritance: Various modes of inheritance.

Allele frequency attached by ClinVar (database versions not stated): TOPMed 0.00003.
gnomAD v4.1: 9 of 1,530,634 alleles (0.00059%); highest among the groups gnomAD compares: African/African-American, 0.012%; no homozygotes.

Submissions (6):

Labcorp Genetics (formerly Invitae), Labcorp
Classification: Uncertain significance for Long QT syndrome. Last evaluated: 2025-07-14. Review status: criteria provided, single submitter. Criteria: Invitae Variant Classification Sherloc (09022015). Collection method: clinical testing. Allele origin: germline.
Comment: This sequence change replaces glycine, which is neutral and non-polar, with arginine, which is basic and polar, at codon 924 of the KCNH2 protein (p.Gly924Arg). This variant is not present in population databases (gnomAD no frequency). This variant has not been reported in the literature in individuals affected with KCNH2-related conditions. ClinVar contains an entry for this variant (Variation ID: 200492). An algorithm developed to predict the effect of missense changes on protein structure and function (PolyPhen-2) suggests that this variant is likely to be tolerated. In summary, the available evidence is currently insufficient to determine the role of this variant in disease. Therefore, it has been classified as a Variant of Uncertain Significance.

Color Diagnostics, LLC DBA Color Health
Classification: Uncertain significance for Cardiac arrhythmia. Last evaluated: 2025-06-24. Review status: criteria provided, single submitter. Criteria: ACMG Guidelines, 2015. Collection method: clinical testing. Allele origin: germline.
Comment: This missense variant replaces glycine with arginine at codon 924 of the KCNH2 protein. Computational prediction tool is inconclusive regarding the impact of this variant on protein structure and function. To our knowledge, functional studies have not been reported for this variant. This variant has not been reported in individuals affected with KCNH2-related disorders in the literature. This variant has not been identified in the general population by the Genome Aggregation Database (gnomAD). The available evidence is insufficient to determine the role of this variant in disease conclusively. Therefore, this variant is classified as a Variant of Uncertain Significance.

All of Us Research Program, National Institutes of Health
Classification: Uncertain significance for Long QT syndrome. Last evaluated: 2024-04-25. Review status: criteria provided, single submitter. Criteria: ACMG Guidelines, 2015. Collection method: clinical testing. Allele origin: germline. Inheritance: Autosomal dominant inheritance. Observed: 2 variant alleles, 2 heterozygotes.
Comment: This missense variant replaces glycine with arginine at codon 924 of the KCNH2 protein. Computational prediction is inconclusive regarding the impact of this variant on protein structure and function (internally defined REVEL score threshold 0.5 < inconclusive < 0.7, PMID: 27666373). To our knowledge, functional studies have not been reported for this variant. This variant has been reported in an individual suspected of having long QT syndrome (ClinVar SCV000234193.9). This variant has not been identified in the general population by the Genome Aggregation Database (gnomAD). The available evidence is insufficient to determine the role of this variant in disease conclusively. Therefore, this variant is classified as a Variant of Uncertain Significance.

This study involves interpretation of variants in research participants for the purpose of population health screening. Participant phenotype was not available at the time of variant classification. Additional details can be found in publication PMID: 35346344, PMCID: PMC8962531

Ambry Genetics
Classification: Uncertain significance for Cardiovascular phenotype. Last evaluated: 2023-03-07. Review status: criteria provided, single submitter. Criteria: Ambry Variant Classification Scheme 2023. Collection method: clinical testing. Allele origin: germline.
Comment: The p.G924R variant (also known as c.2770G>A), located in coding exon 12 of the KCNH2 gene, results from a G to A substitution at nucleotide position 2770. The glycine at codon 924 is replaced by arginine, an amino acid with dissimilar properties, and is located in the C-terminal region. This amino acid position is well conserved in available vertebrate species. In addition, this alteration is predicted to be deleterious by in silico analysis. Since supporting evidence is limited at this time, the clinical significance of this alteration remains unclear.

Fulgent Genetics
Classification: Uncertain significance for Short QT syndrome type 1; Long QT syndrome 2. Last evaluated: 2021-09-29. Review status: criteria provided, single submitter. Criteria: ACMG Guidelines, 2015. Collection method: clinical testing. Allele origin: unknown.

GeneDx
Classification: Uncertain significance. Last evaluated: 2018-09-26. Review status: criteria provided, single submitter. Criteria: GeneDx Variant Classification (06012015). Collection method: clinical testing. Allele origin: germline. Affected: yes.
Comment: The G924R variant has not been published as a mutation or been reported as a benign polymorphism to our knowledge. The G924R variant is a non-conservative amino acid substitution, which is likely to impact secondary protein structure as these residues differ in polarity, charge, size and/or other properties. Furthermore, this substitution occurs at a position that is conserved in mammals. Located within the cytoplasmic topological domain of the KCNH2 gene, missense mutations in the same residue as this variant (G924A, G924E) and several mutations in nearby residues (R920W, R920Q, R922W, R922Q, G925R, W927G) have been reported in the Human Gene Mutation Database in association with arrhythmia (Stenson et al., 2014), further supporting the functional importance of this residue and region of the protein. Nevertheless, in silico analysis is inconsistent in its predictions as to whether or not the variant is damaging to the protein structure/function. The G924R variant was not observed in approximately 3,700 individuals of European and African American ancestry in the NHLBI Exome Sequencing Project Therefore, based on the currently available information, it is unclear whether this variant is a pathogenic mutation or a rare benign variant

Literature cited by the submitters: PubMed 19716085 (cited by Ambry Genetics); PubMed 23338923 (cited by Ambry Genetics); PubMed 26746457 (cited by Ambry Genetics).